The following is an entry in ClinVar:

ClinVar aggregate classification (germline): Uncertain significance (1 of 4 stars; one submission).

Conditions:
Actin accumulation myopathy (CMYO2A). Also called: CONGENITAL MYOPATHY 2A, TYPICAL, AUTOSOMAL DOMINANT; Myopathy, actin, congenital, with cores; Nemaline myopathy 3, with intranuclear rods; Nemaline myopathy type 3; Myopathy, actin, congenital, with excess of thin myofilaments. Identifiers: Orphanet 98904, MedGen C3711389, MONDO:0008070, OMIM 161800.

Submission:

Labcorp Genetics (formerly Invitae), Labcorp
Classification: Uncertain significance for Actin accumulation myopathy. Last evaluated: 2023-11-15. Review status: criteria provided, single submitter. Criteria: Invitae Variant Classification Sherloc (09022015). Collection method: clinical testing. Allele origin: germline.
Comment: This sequence change replaces leucine, which is neutral and non-polar, with glutamine, which is neutral and polar, at codon 322 of the ACTA1 protein (p.Leu322Gln). This variant is not present in population databases (gnomAD no frequency). This variant has not been reported in the literature in individuals affected with ACTA1-related conditions. ClinVar contains an entry for this variant (Variation ID: 655648). Advanced modeling of protein sequence and biophysical properties (such as structural, functional, and spatial information, amino acid conservation, physicochemical variation, residue mobility, and thermodynamic stability) performed at Invitae indicates that this missense variant is not expected to disrupt ACTA1 protein function with a negative predictive value of 80%. In summary, the available evidence is currently insufficient to determine the role of this variant in disease. Therefore, it has been classified as a Variant of Uncertain Significance.

NM_001100.4(ACTA1):c.965T>A (p.Leu322Gln)

Gene: ACTA1 (actin alpha 1, skeletal muscle; minus strand). Cytogenetic location: 1q42.13.
Variant type: single nucleotide variant.
Coding change: c.965T>A on transcript NM_001100.4 (MANE Select); coding-DNA position 965, T replaced by A.
Protein change: p.Leu322Gln; replaces leucine 322 with glutamine.
Molecular consequence: missense variant.
Genome position (GRCh38, 1-based): chr1:229,431,746, A>T on the plus strand (T>A on the coding strand, the complement: ACTA1 is on the minus strand). VCF-style: chr1-229431746-A-T. GRCh37 (hg19) VCF-style: chr1-229567493-A-T.
Other names: short protein forms L322Q.
Identifiers: ClinVar variation 655648 (VCV000655648.9), dbSNP rs1571892527, ClinGen allele CA345145418.